The following is an entry in ClinVar:

ClinVar aggregate classification (germline): Uncertain significance. Review status: criteria provided, multiple submitters, no conflicts (2 of 4 stars). 2 submissions from 2 submitters: Uncertain significance (2). Last evaluated 2024-11-02.

gnomAD v4.1: 4 of 1,613,628 alleles (0.00025%); highest among the groups gnomAD compares: Non-Finnish European, 0.00025%; no homozygotes.

Submissions (2):

Labcorp Genetics (formerly Invitae), Labcorp
Classification: Uncertain significance. Last evaluated: 2024-11-02. Review status: criteria provided, single submitter. Criteria: Invitae Variant Classification Sherloc (09022015). Collection method: clinical testing. Allele origin: germline.
Comment: This sequence change replaces arginine, which is basic and polar, with glycine, which is neutral and non-polar, at codon 2727 of the RNF213 protein (p.Arg2727Gly). This variant is present in population databases (rs375688032, gnomAD 0.002%). This variant has not been reported in the literature in individuals affected with RNF213-related conditions. ClinVar contains an entry for this variant (Variation ID: 1707028). Invitae Evidence Modeling of protein sequence and biophysical properties (such as structural, functional, and spatial information, amino acid conservation, physicochemical variation, residue mobility, and thermodynamic stability) indicates that this missense variant is not expected to disrupt RNF213 protein function with a negative predictive value of 95%. In summary, the available evidence is currently insufficient to determine the role of this variant in disease. Therefore, it has been classified as a Variant of Uncertain Significance.

GeneDx
Classification: Uncertain significance. Last evaluated: 2022-03-24. Review status: criteria provided, single submitter. Criteria: GeneDx Variant Classification Process June 2021. Collection method: clinical testing. Allele origin: germline. Affected: yes.
Comment: Not observed at significant frequency in large population cohorts (gnomAD); In silico analysis supports that this missense variant has a deleterious effect on protein structure/function; Has not been previously published as pathogenic or benign to our knowledge

NM_001256071.3(RNF213):c.8179C>G (p.Arg2727Gly)

Gene: RNF213 (ring finger protein 213; plus strand). Cytogenetic location: 17q25.3.
Variant type: single nucleotide variant.
Coding change: c.8179C>G on transcript NM_001256071.3 (MANE Select); coding-DNA position 8179, C replaced by G.
Protein change: p.Arg2727Gly; replaces arginine 2727 with glycine.
Molecular consequence: missense variant.
Genome position (GRCh38, 1-based): chr17:80,346,514, C>G. VCF-style: chr17-80346514-C-G. GRCh37 (hg19) VCF-style: chr17-78320314-C-G.
Other names: c.8326C>G, p.Arg2776Gly (NM_001410195.1, NM_020914.5); short protein forms R2727G, R2776G.
Identifiers: ClinVar variation 1707028 (VCV001707028.4), dbSNP rs375688032, ClinGen allele CA8820897.